The following is an entry in ClinVar:

NM_005342.4(HMGB3):c.576GGA[8] (p.Glu198_Asp199insGlu)

Gene: HMGB3 (high mobility group box 3; plus strand). Cytogenetic location: Xq28.
Variant type: Microsatellite.
Coding change: c.576GGA[8] on transcript NM_005342.4 (MANE Select); eight copies in a row of the 3-base unit GGA starting at c.576; the reference has seven copies in a row; one copy, 3 bases duplicated.
Protein change: p.Glu198_Asp199insGlu.
Molecular consequence: inframe insertion.
Genome position (GRCh38, 1-based): chrX:150,987,905-150,987,907, GGA duplicated; duplicating any 3 consecutive bases within chrX:150,987,885-150,987,907 gives the same sequence; the position shown is the placement nearest the transcript's 3' end. VCF-style (leftmost placement, unchanged base first): chrX-150987884-A-AGAG. GRCh37 (hg19) VCF-style: chrX-150156357-A-AGAG.
Other names: c.576GGA[8], p.Glu198_Asp199insGlu (NM_001301228.2, NM_001301229.2); c.636GGA[8], p.Glu218_Asp219insGlu (NM_001301231.2).
Identifiers: ClinVar variation 2863546 (VCV002863546.3), dbSNP rs782021512, ClinGen allele CA10540142.
Genomic context (GRCh38, chrX:150,987,884, plus strand): 5'-TCCTGCTAAAGTTGCCCGGAAAAAGGTGGAAGAGGAAGATGAAGAAGAGGAGGAGGAAGA[A>AGAG]GAGGAGGAGGAGGAGGAGGAGGATGAATAAAGAAACTGTTTATCTGTCTCCTTGTGAATA-3'

ClinVar aggregate classification (germline): Uncertain significance (1 of 4 stars; one submission).

Submission:

Labcorp Genetics (formerly Invitae), Labcorp
Classification: Uncertain significance. Last evaluated: 2023-04-16. Review status: criteria provided, single submitter. Criteria: Invitae Variant Classification Sherloc (09022015). Collection method: clinical testing. Allele origin: germline.
Comment: This variant, c.594_596dup, results in the insertion of 1 amino acid(s) of the HMGB3 protein (p.Glu198dup), but otherwise preserves the integrity of the reading frame. The frequency data for this variant in the population databases is considered unreliable, as metrics indicate poor data quality at this position in the gnomAD database. This variant has not been reported in the literature in individuals affected with HMGB3-related conditions. In summary, the available evidence is currently insufficient to determine the role of this variant in disease. Therefore, it has been classified as a Variant of Uncertain Significance.